The following is an entry in ClinVar:

NM_139076.3(ABRAXAS1):c.821C>T (p.Pro274Leu)

Gene: ABRAXAS1 (abraxas 1, BRCA1 A complex subunit; minus strand). Cytogenetic location: 4q21.23.
Variant type: single nucleotide variant.
Coding change: c.821C>T on transcript NM_139076.3 (MANE Select); coding-DNA position 821, C replaced by T.
Protein change: p.Pro274Leu; replaces proline 274 with leucine.
Molecular consequence: missense variant.
Genome position (GRCh38, 1-based): chr4:83,462,878, G>A on the plus strand (C>T on the coding strand, the complement: ABRAXAS1 is on the minus strand). VCF-style: chr4-83462878-G-A. GRCh37 (hg19) VCF-style: chr4-84384031-G-A.
Other names: c.494C>T, p.Pro165Leu (NM_001345962.2); short protein forms P165L, P274L.
Identifiers: ClinVar variation 1800214 (VCV001800214.3), dbSNP rs1722190545, ClinGen allele CA357256687.

ClinVar aggregate classification (germline): Uncertain significance (1 of 4 stars; one submission).

Allele frequency attached by ClinVar (database versions not stated): gnomAD 0.00001; TOPMed below 0.00001.
gnomAD v4.1: 1 of 1,584,736 alleles (0.000063%); highest among the groups gnomAD compares: African/African-American, 0.0014%; no homozygotes.

Submission:

Ambry Genetics
Classification: Uncertain significance. Last evaluated: 2025-04-17. Review status: criteria provided, single submitter. Criteria: Ambry Variant Classification Scheme 2023. Collection method: clinical testing. Allele origin: germline.
Comment: The p.P274L variant (also known as c.821C>T), located in coding exon 9 of the FAM175A gene, results from a C to T substitution at nucleotide position 821. The proline at codon 274 is replaced by leucine, an amino acid with similar properties. This amino acid position is conserved. In addition, this alteration is predicted to be tolerated by in silico analysis. Since supporting evidence is limited at this time, the clinical significance of this alteration remains unclear.